The following is an entry in ClinVar:

NM_000179.3(MSH6):c.1649C>A (p.Ser550Tyr)

Gene: MSH6 (mutS homolog 6; plus strand). Cytogenetic location: 2p16.3.
Variant type: single nucleotide variant.
Coding change: c.1649C>A on transcript NM_000179.3 (MANE Select); coding-DNA position 1649, C replaced by A.
Protein change: p.Ser550Tyr; replaces serine 550 with tyrosine.
Molecular consequence: missense variant. On other transcripts: non-coding transcript variant (4), intron variant (2).
Genome position (GRCh38, 1-based): chr2:47,799,632, C>A. VCF-style: chr2-47799632-C-A. GRCh37 (hg19) VCF-style: chr2-48026771-C-A.
Other names: c.1259C>A, p.Ser420Tyr (NM_001281492.2); c.743C>A, p.Ser248Tyr (NM_001281493.2, NM_001281494.2, NM_001406811.1 and 6 more transcripts); c.1745C>A, p.Ser582Tyr (NM_001406795.1, NM_001406802.1); c.1649C>A, p.Ser550Tyr (NM_001406796.1, NM_001406798.1, NM_001406800.1 and 3 more transcripts); c.1352C>A, p.Ser451Tyr (NM_001406797.1, NM_001406801.1, NM_001406805.1 and 10 more transcripts); c.1124C>A, p.Ser375Tyr (NM_001406799.1, NM_001406806.1, NM_001406807.1); c.1571C>A, p.Ser524Tyr (NM_001406804.1); c.1655C>A, p.Ser552Tyr (NM_001406813.1); and 3 more; short protein forms S420Y, S524Y, S582Y, S248Y, S494Y, S552Y, S375Y, S451Y.
Identifiers: ClinVar variation 2567480 (VCV002567480.2), dbSNP rs878853710, ClinGen allele CA346747268.
Genomic context (GRCh38, chr2:47,799,632, plus strand): 5'-ATCCCTCTGAGAACTACAGTAAGTATCTTCTTAGCCTCAAAGAAAAAGAGGAAGATTCTT[C>A]TGGCCATACTCGTGCATATGGTGTGTGCTTTGTTGATACTTCACTGGGAAAGTTTTTCAT-3'
Protein context (NP_000170.1, residues 540-560): LSLKEKEEDS[Ser550Tyr]GHTRAYGVCF

ClinVar aggregate classification (germline): Uncertain significance (1 of 4 stars; one submission).

Conditions:
Hereditary cancer-predisposing syndrome. Also called: Hereditary neoplastic syndrome; Hereditary Cancer Syndrome; Neoplastic Syndromes, Hereditary; Tumor predisposition. Identifiers: Orphanet 140162, MedGen C0027672, MeSH D009386, MONDO:0015356.

Submission:

Ambry Genetics
Classification: Uncertain significance for Hereditary cancer-predisposing syndrome. Last evaluated: 2023-05-08. Review status: criteria provided, single submitter. Criteria: Ambry Variant Classification Scheme 2023. Collection method: clinical testing. Allele origin: germline.
Comment: The p.S550Y variant (also known as c.1649C>A), located in coding exon 4 of the MSH6 gene, results from a C to A substitution at nucleotide position 1649. The serine at codon 550 is replaced by tyrosine, an amino acid with dissimilar properties. This amino acid position is conserved. In addition, the in silico prediction for this alteration is inconclusive. Since supporting evidence is limited at this time, the clinical significance of this alteration remains unclear.